The following is an entry in ClinVar:

NM_003227.4(TFR2):c.29G>C (p.Arg10Thr)

Gene: TFR2 (transferrin receptor 2; minus strand). Cytogenetic location: 7q22.1.
Variant type: single nucleotide variant.
Coding change: c.29G>C on transcript NM_003227.4 (MANE Select); coding-DNA position 29, G replaced by C.
Protein change: p.Arg10Thr; replaces arginine 10 with threonine.
Molecular consequence: missense variant.
Genome position (GRCh38, 1-based): chr7:100,641,481, C>G on the plus strand (G>C on the coding strand, the complement: TFR2 is on the minus strand). VCF-style: chr7-100641481-C-G. GRCh37 (hg19) VCF-style: chr7-100239104-C-G.
Other names: short protein forms R10T.
Identifiers: ClinVar variation 970310 (VCV000970310.7), dbSNP rs370714327, ClinGen allele CA4386950.
Genomic context (GRCh38, chr7:100,641,481, plus strand): 5'-GGCTGAGGGACTTAGAGAGAAGGCCTAAGGGGTCTTCCCAATCCCACTAGTCTTACCGCT[C>G]TCTGGAATAGACCCCAAAGCCGCTCCATGCTTGTGTCCCCTCCTGAAGCCTGCAGGCTGT-3'
Protein context (NP_003218.2, residues 1-20): MERLWGLFQ[Arg10Thr]AQQLSPRSSQ

ClinVar aggregate classification (germline): Uncertain significance. Review status: criteria provided, single submitter (1 of 4 stars). 2 submissions from 2 submitters: Uncertain significance (1). 1 of the submissions does not count toward it. Last evaluated 2021-09-01.

Conditions:
Hereditary hemochromatosis (HFE). Identifiers: MedGen C0392514, MONDO:0006507. Disease mechanism: loss of function.
Hemochromatosis type 3 (HFE3). Also called: TFR2-Related Hemochromatosis; Hereditary hemochromatosis type 3; HEMOCHROMATOSIS DUE TO DEFECT IN TRANSFERRIN RECEPTOR 2. Identifiers: Orphanet 225123, MedGen C1858664, MONDO:0011417, OMIM 604250.

Allele frequency attached by ClinVar (database versions not stated): TOPMed 0.00002; gnomAD exomes 0.00003 and 0.00007; ESP Exome Variant Server 0.00008; ExAC 0.00009.
gnomAD v4.1: 47 of 1,613,830 alleles (0.0029%); highest among the groups gnomAD compares: Non-Finnish European, 0.0035%; no homozygotes.

Submissions (2):

Labcorp Genetics (formerly Invitae), Labcorp
Classification: Uncertain significance for Hereditary hemochromatosis. Last evaluated: 2021-09-01. Review status: criteria provided, single submitter. Criteria: Invitae Variant Classification Sherloc (09022015). Collection method: clinical testing. Allele origin: germline.
Comment: This sequence change replaces arginine with threonine at codon 10 of the TFR2 protein (p.Arg10Thr). The arginine residue is moderately conserved and there is a moderate physicochemical difference between arginine and threonine. This variant is present in population databases (rs370714327, ExAC 0.02%). This variant has not been reported in the literature in individuals affected with TFR2-related conditions. Algorithms developed to predict the effect of missense changes on protein structure and function output the following: SIFT: "Tolerated"; PolyPhen-2: "Benign"; Align-GVGD: "Class C0". The threonine amino acid residue is found in multiple mammalian species, which suggests that this missense change does not adversely affect protein function. In summary, the available evidence is currently insufficient to determine the role of this variant in disease. Therefore, it has been classified as a Variant of Uncertain Significance.

Natera, Inc.
Classification: Uncertain significance for Hereditary hemochromatosis type 3. Last evaluated: 2020-12-10. Review status: no assertion criteria provided. Collection method: clinical testing. Allele origin: germline. Not counted in ClinVar's aggregate classification.